The following is an entry in ClinVar:

ClinVar aggregate classification (germline): Uncertain significance (1 of 4 stars; one submission).

gnomAD v4.1: 2 of 1,607,514 alleles (0.00012%); highest among the groups gnomAD compares: Non-Finnish European, 0.00017%; no homozygotes.

Submission:

GeneDx
Classification: Uncertain significance. Last evaluated: 2025-07-25. Review status: criteria provided, single submitter. Criteria: GeneDx Variant Classification Process June 2021. Collection method: clinical testing. Allele origin: germline. Affected: yes.
Comment: Not observed at significant frequency in large population cohorts (gnomAD); In silico analysis suggests that this missense variant does not alter protein structure/function; Has not been previously published as pathogenic or benign to our knowledge

NM_139137.4(KCNC2):c.1608C>A (p.Asn536Lys)

Gene: KCNC2 (potassium voltage-gated channel subfamily C member 2; minus strand). Cytogenetic location: 12q21.1.
Variant type: single nucleotide variant.
Coding change: c.1608C>A on transcript NM_139137.4 (MANE Select); coding-DNA position 1608, C replaced by A.
Protein change: p.Asn536Lys; replaces asparagine 536 with lysine.
Molecular consequence: missense variant. On other transcripts: non-coding transcript variant (1).
Genome position (GRCh38, 1-based): chr12:75,050,397, G>T on the plus strand (C>A on the coding strand, the complement: KCNC2 is on the minus strand). VCF-style: chr12-75050397-G-T. GRCh37 (hg19) VCF-style: chr12-75444177-G-T.
Other names: c.1608C>A, p.Asn536Lys (NM_001260497.2, NM_001260498.2, NM_001260499.2 and 13 more transcripts); short protein forms N536K.
Identifiers: ClinVar variation 4686878 (VCV004686878.1).
Genomic context (GRCh38, chr12:75,050,397, plus strand): 5'-AACATACTGGTCTATAAAGTATTTAATAACATGCATTTGAAGTCCTGCCTTACCTGATCT[G>T]TTATGTTCCAGAAGTCGATTGTCTTTGCCCAGACATGTGTCACTCTGTGTACTATTGCAG-3'
Protein context (NP_631875.1, residues 526-546): LGKDNRLLEH[Asn536Lys]RSVLSGDDST